The following is an entry in ClinVar:

ClinVar aggregate classification (germline): Pathogenic/Likely pathogenic. Review status: criteria provided, multiple submitters, no conflicts (2 of 4 stars). 10 submissions from 10 submitters: Pathogenic (6); Likely pathogenic (1). 3 of the submissions do not count toward it. Last evaluated 2025-12-15.

Conditions:
BILIRUBIN, SERUM LEVEL OF, QUANTITATIVE TRAIT LOCUS 1 (BILIQTL1). Identifiers: MedGen C1866173, OMIM 601816.
Crigler-Najjar syndrome type 1. Also called: HYPERBILIRUBINEMIA, CRIGLER-NAJJAR TYPE I. Identifiers: Orphanet 79234, MedGen C0010324, MONDO:0021020, OMIM 218800.
Crigler-Najjar syndrome, type II. Also called: Crigler Najjar syndrome, type 2; Mutation in the UDP-glucuronosyl-transferase gene; HYPERBILIRUBINEMIA, CRIGLER-NAJJAR TYPE II. Identifiers: Orphanet 205, Orphanet 79235, MedGen C2931132, MONDO:0011725, OMIM 606785.
Lucey-Driscoll syndrome (HBLRTFN). Also called: Transient familial neonatal hyperbilirubinemia. Identifiers: Orphanet 2312, MedGen C0270210, MONDO:0009383, OMIM 237900.
Gilbert syndrome. Also called: HYPERBILIRUBINEMIA I; HYPERBILIRUBINEMIA, ARIAS TYPE; Gilbert Disease; HYPERBILIRUBINEMIA, GILBERT TYPE; Gilbert's syndrome. Identifiers: MedGen C0017551, MONDO:0007745, OMIM 143500.
UGT1A1-related disorder. Also called: UGT1A1-related disorders; UGT1A1-related condition.

Submissions (10):

PreventionGenetics, part of Exact Sciences
Classification: Pathogenic for UGT1A1-related condition. Last evaluated: 2025-12-15. Review status: criteria provided, single submitter. Criteria: ACMG Guidelines, 2015. Collection method: clinical testing. Allele origin: germline.
Comment: The UGT1A1 c.1220delA variant is predicted to result in a frameshift and premature protein termination (p.Lys407Argfs*5). This variant has been reported to be causative for Crigler-Najjar syndrome type I (D'Antiga et al. 2023. PubMed ID: 37585628; reported as c.1223delA, Kadakol et al. 2001. PubMed ID: 11370628; Kadakol et al. 2000. PubMed ID: 11013440). Frameshift variants in UGT1A1 are expected to be pathogenic. This variant is interpreted as pathogenic.

Labcorp Genetics (formerly Invitae), Labcorp
Classification: Pathogenic. Last evaluated: 2025-10-27. Review status: criteria provided, single submitter. Criteria: Invitae Variant Classification Sherloc (09022015). Collection method: clinical testing. Allele origin: germline.
Comment: This sequence change creates a premature translational stop signal (p.Lys407Argfs*5) in the UGT1A1 gene. It is expected to result in an absent or disrupted protein product. Loss-of-function variants in UGT1A1 are known to be pathogenic (PMID: 23290513). This variant is present in population databases (rs558109660, gnomAD 0.005%). This premature translational stop signal has been observed in individual(s) with Crigler-Najjar syndrome type 2 (PMID: 11013440). ClinVar contains an entry for this variant (Variation ID: 1206193). For these reasons, this variant has been classified as Pathogenic.

CeGaT Center for Human Genetics Tuebingen
Classification: Pathogenic. Last evaluated: 2025-08-01. Review status: criteria provided, single submitter. Criteria: CeGaT Center For Human Genetics Tuebingen Variant Classification Criteria Version 2. Collection method: clinical testing. Allele origin: germline. Affected: yes. Observed: 1 variant allele.
Comment: UGT1A1: PVS1, PM2, PM3

ARUP Laboratories, Molecular Genetics and Genomics, ARUP Laboratories
Classification: Pathogenic. Last evaluated: 2025-07-23. Review status: criteria provided, single submitter. Criteria: ARUP Molecular Germline Variant Investigation Process 2024. Collection method: clinical testing. Allele origin: germline.
Comment: The UGT1A1 c.1220del; p.Lys407ArgfsTer5 variant (rs558109660), also reported as 1223del, is reported in the literature in an individual with Crigler-Najjar syndrome type 1 (Kadakol 2000). This variant is also reported in ClinVar (Variation ID: 1206193). It is observed in the general population with an overall allele frequency of 0.003% (8/280424 alleles) in the Genome Aggregation Database. This variant causes a frameshift by deleting a single nucleotide, so it is predicted to result in a truncated protein or mRNA subject to nonsense-mediated decay. Based on available information, this variant is considered to be pathogenic. References: Kadakol A et al. Genetic lesions of bilirubin uridine-diphosphoglucuronate glucuronosyltransferase (UGT1A1) causing Crigler-Najjar and Gilbert syndromes: correlation of genotype to phenotype. Hum Mutat. 2000 Oct;16(4):297-306. PMID: 11013440.

Fulgent Genetics
Classification: Likely pathogenic for Gilbert syndrome; Crigler-Najjar syndrome type 1; Lucey-Driscoll syndrome; BILIRUBIN, SERUM LEVEL OF, QUANTITATIVE TRAIT LOCUS 1; Crigler-Najjar syndrome, type II. Last evaluated: 2024-01-06. Review status: criteria provided, single submitter. Criteria: ACMG Guidelines, 2015. Collection method: clinical testing. Allele origin: germline.

Institute for Clinical Genetics, University Hospital TU Dresden, University Hospital TU Dresden
Classification: Pathogenic. Last evaluated: 2021-11-03. Review status: criteria provided, single submitter. Criteria: ACMG Guidelines, 2015. Collection method: clinical testing. Allele origin: germline.

Genetics and Molecular Pathology, SA Pathology
Classification: Pathogenic for Crigler-Najjar syndrome, type II. Last evaluated: 2019-10-10. Review status: criteria provided, single submitter. Criteria: ACMG Guidelines, 2015. Collection method: clinical testing. Allele origin: germline. Inheritance: Autosomal recessive inheritance. Affected: yes.

Clinical Genetics DNA and cytogenetics Diagnostics Lab, Erasmus MC, Erasmus Medical Center
Classification: Pathogenic. Review status: no assertion criteria provided. Collection method: clinical testing. Allele origin: germline. Affected: yes. Study: VKGL Data-share Consensus. Not counted in ClinVar's aggregate classification.

Diagnostic Laboratory, Department of Genetics, University Medical Center Groningen
Classification: Pathogenic. Review status: no assertion criteria provided. Collection method: clinical testing. Allele origin: germline. Affected: yes. Study: VKGL Data-share Consensus. Not counted in ClinVar's aggregate classification.

Laboratory of Diagnostic Genome Analysis, Leiden University Medical Center (LUMC)
Classification: Pathogenic. Review status: no assertion criteria provided. Collection method: clinical testing. Allele origin: germline. Affected: yes. Study: VKGL Data-share Consensus. Not counted in ClinVar's aggregate classification.

Literature cited by the submitters: PubMed 23290513 (cited by Labcorp Genetics (formerly Invitae), Labcorp); PubMed 11013440 (cited by Labcorp Genetics (formerly Invitae), Labcorp).

NM_000463.3(UGT1A1):c.1220del (p.Lys407fs)

Genes: UGT1A10 (UDP glucuronosyltransferase family 1 member A10; plus strand), UGT1A3 (UDP glucuronosyltransferase family 1 member A3; plus strand), UGT1A4 (UDP glucuronosyltransferase family 1 member A4; plus strand), UGT1A5 (UDP glucuronosyltransferase family 1 member A5; plus strand), UGT1A6 (UDP glucuronosyltransferase family 1 member A6; plus strand) and 5 more. Cytogenetic location: 2q37.1.
Variant type: Deletion.
Coding change: c.1220del on transcript NM_000463.3 (MANE Select); coding-DNA position 1220, one base deleted (A; older notation c.1220delA).
Protein change: p.Lys407fs; shifts the reading frame from lysine 407.
Molecular consequence: frameshift variant.
Genome position (GRCh38, 1-based): chr2:233,768,355, A deleted; the last of 2 consecutive A bases (chr2:233,768,354-233,768,355); deleting either gives the same sequence. VCF-style (leftmost placement, unchanged base first): chr2-233768353-TA-T. GRCh37 (hg19) VCF-style: chr2-234676999-TA-T.
Other names: c.1211del, p.Lys404fs (NM_019075.4, NM_019076.5, NM_019077.3 and 1 more transcripts); c.1217del, p.Lys406fs (NM_001072.4); c.416del, p.Lys139fs (NM_205862.3); c.1223del, p.Lys408fs (NM_019078.2, NM_007120.3, NM_019093.4); c.1220delA, p.Lys407Argfs (NM_000463.2); short protein forms K139fs, K404fs, K406fs, K407fs, K408fs.
Identifiers: ClinVar variation 1206193 (VCV001206193.28), dbSNP rs558109660, ClinGen allele CA67596423.
Genomic context (GRCh38, chr2:233,768,353, plus strand): 5'-TCCCATGGTGATGATGCCCTTGTTTGGTGATCAGATGGACAATGCAAAGCGCATGGAGAC[TA>T]AGGGAGCTGGAGTGACCCTGAATGTTCTGGAAATGACTTCTGAAGATTTAGAAAATGCTC-3'